The following is an entry in ClinVar:

NM_019594.4(LRRC8A):c.1996C>T (p.Arg666Cys)

Gene: LRRC8A (leucine rich repeat containing 8 VRAC subunit A; plus strand). Cytogenetic location: 9q34.11.
Variant type: single nucleotide variant.
Coding change: c.1996C>T on transcript NM_019594.4 (MANE Select); coding-DNA position 1996, C replaced by T.
Protein change: p.Arg666Cys; replaces arginine 666 with cysteine.
Molecular consequence: missense variant.
Genome position (GRCh38, 1-based): chr9:128,909,160, C>T. VCF-style: chr9-128909160-C-T. GRCh37 (hg19) VCF-style: chr9-131671439-C-T.
Other names: c.1996C>T, p.Arg666Cys (NM_001127244.2, NM_001127245.2); short protein forms R666C.
Identifiers: ClinVar variation 1951221 (VCV001951221.5), dbSNP rs1224174485, ClinGen allele CA375086017.

ClinVar aggregate classification (germline): Uncertain significance (1 of 4 stars; one submission).

Submission:

Labcorp Genetics (formerly Invitae), Labcorp
Classification: Uncertain significance. Last evaluated: 2024-07-05. Review status: criteria provided, single submitter. Criteria: Invitae Variant Classification Sherloc (09022015). Collection method: clinical testing. Allele origin: germline.
Comment: This sequence change replaces arginine, which is basic and polar, with cysteine, which is neutral and slightly polar, at codon 666 of the LRRC8A protein (p.Arg666Cys). This variant is present in population databases (no rsID available, gnomAD 0.0009%). This variant has not been reported in the literature in individuals affected with LRRC8A-related conditions. ClinVar contains an entry for this variant (Variation ID: 1951221). An algorithm developed to predict the effect of missense changes on protein structure and function (PolyPhen-2) suggests that this variant is likely to be disruptive. In summary, the available evidence is currently insufficient to determine the role of this variant in disease. Therefore, it has been classified as a Variant of Uncertain Significance.